The following is an entry in ClinVar:

ClinVar aggregate classification (germline): Likely pathogenic (1 of 4 stars; one submission).

Submission:

GeneDx
Classification: Likely pathogenic. Last evaluated: 2024-04-02. Review status: criteria provided, single submitter. Criteria: GeneDx Variant Classification Process June 2021. Collection method: clinical testing. Allele origin: germline. Affected: yes.
Comment: Frameshift variant predicted to result in abnormal protein length as the last 125 amino acids are replaced with 11 different amino acids, and other similar variants have been reported in HGMD; Not observed at significant frequency in large population cohorts (gnomAD); This variant is associated with the following publications: (PMID: 37323195)

NM_139119.3(YY1AP1):c.1877del (p.Pro626fs)

Gene: YY1AP1 (YY1 associated protein 1; minus strand). Cytogenetic location: 1q22.
Variant type: Deletion.
Coding change: c.1877del on transcript NM_139119.3 (MANE Select); coding-DNA position 1877, one base deleted (C; older notation c.1877delC).
Protein change: p.Pro626fs; shifts the reading frame from proline 626.
Molecular consequence: frameshift variant. On other transcripts: 3 prime UTR variant (1).
Genome position (GRCh38, 1-based): chr1:155,660,033, G deleted on the plus strand (C on the coding strand, the reverse complement: YY1AP1 is on the minus strand); the first of 2 consecutive G bases (chr1:155,660,033-155,660,034); deleting either gives the same sequence. VCF-style (leftmost placement, unchanged base first): chr1-155660032-AG-A. GRCh37 (hg19) VCF-style: chr1-155629823-AG-A.
Other names: c.1844del, p.Pro615fs (NM_001198899.2, NM_001198900.2, NM_018253.4); c.1877del, p.Pro626fs (NM_001198901.2, NM_001198902.2); c.2291del, p.Pro764fs (NM_001198903.1); c.2231del, p.Pro744fs (NM_001198904.1); c.1817del, p.Pro606fs (NM_001198905.2); c.*820del (NM_001198906.2); c.2015del, p.Pro672fs (NM_139118.3); c.1679del, p.Pro560fs (NM_139121.3); short protein forms P560fs, P606fs, P615fs, P626fs, P672fs, P744fs, P764fs.
Identifiers: ClinVar variation 3371308 (VCV003371308.1).